The following is an entry in ClinVar:

ClinVar aggregate classification (germline): Uncertain significance. Review status: criteria provided, multiple submitters, no conflicts (2 of 4 stars). 6 submissions from 6 submitters: Uncertain significance (6). Last evaluated 2025-12-22.

Conditions:
NLRP3-related disorder. Also called: NLRP3-related condition; NLRP3-Related Disorders.
Autoinflammatory syndrome. Identifiers: Orphanet 93665, MedGen C3890737, MONDO:0019751.
Cryopyrin associated periodic syndrome (CAPS). Identifiers: Orphanet 208650, MedGen C2316212, MONDO:0016168.
Keratitis fugax hereditaria. Also called: KERATOENDOTHELIITIS FUGAX HEREDITARIA. Identifiers: Orphanet 647815, MedGen C1835697, MONDO:0007849, OMIM 148200.
Chronic infantile neurological, cutaneous and articular syndrome (CINCA). Also called: Prieur Griscelli syndrome; CHRONIC NEUROLOGIC CUTANEOUS AND ARTICULAR SYNDROME; CINCA syndrome; CRYOPYRIN-ASSOCIATED PERIODIC SYNDROME 3. Identifiers: Orphanet 1451, MedGen C0409818, MONDO:0011776, OMIM 607115.
Hearing loss, autosomal dominant 34, with or without inflammation. Also called: DEAFNESS, AUTOSOMAL DOMINANT 34, WITH OR WITHOUT INFLAMMATION. Identifiers: MedGen C4521680, MONDO:0033261, OMIM 617772.
Familial cold autoinflammatory syndrome 1 (FCAS1). Also called: CRYOPYRIN-ASSOCIATED PERIODIC SYNDROME 1; Familial cold inflammatory syndrome 1. Identifiers: Orphanet 47045, MedGen C4551895, MONDO:0007349, OMIM 120100.
Familial amyloid nephropathy with urticaria AND deafness (MWS). Also called: Urticaria, deafness and amyloidosis; UDA SYNDROME; URTICARIA-DEAFNESS-AMYLOIDOSIS SYNDROME; MUCKLE-WELLS SYNDROME; CRYOPYRIN-ASSOCIATED PERIODIC SYNDROME 2. Identifiers: Orphanet 575, MedGen C0268390, MONDO:0008633, OMIM 191900.

Allele frequency attached by ClinVar (database versions not stated): gnomAD 0.00003 and 0.00004; TOPMed 0.00003.
gnomAD v4.1: 48 of 1,613,306 alleles (0.003%); highest among the groups gnomAD compares: Non-Finnish European, 0.0039%; no homozygotes.

Submissions (6):

Labcorp Genetics (formerly Invitae), Labcorp
Classification: Uncertain significance for Cryopyrin associated periodic syndrome. Last evaluated: 2025-12-22. Review status: criteria provided, single submitter. Criteria: Invitae Variant Classification Sherloc (09022015). Collection method: clinical testing. Allele origin: germline.
Comment: This sequence change replaces serine, which is neutral and polar, with asparagine, which is neutral and polar, at codon 112 of the NLRP3 protein (p.Ser112Asn). This variant is present in population databases (rs202050558, gnomAD 0.004%). This variant has not been reported in the literature in individuals affected with NLRP3-related conditions. ClinVar contains an entry for this variant (Variation ID: 1308186). Invitae Evidence Modeling of protein sequence and biophysical properties (such as structural, functional, and spatial information, amino acid conservation, physicochemical variation, residue mobility, and thermodynamic stability) has been performed for this missense variant. However, the output from this modeling did not meet the statistical confidence thresholds required to predict the impact of this variant on NLRP3 protein function. In summary, the available evidence is currently insufficient to determine the role of this variant in disease. Therefore, it has been classified as a Variant of Uncertain Significance.

PreventionGenetics, part of Exact Sciences
Classification: Uncertain significance for NLRP3-related condition. Last evaluated: 2025-10-08. Review status: criteria provided, single submitter. Criteria: ACMG Guidelines, 2015. Collection method: clinical testing. Allele origin: germline.
Comment: The NLRP3 c.335G>A variant is predicted to result in the amino acid substitution p.Ser112Asn. To our knowledge, this variant has not been reported in the literature. This variant is reported in 0.0035% of alleles in individuals of European (Non-Finnish) descent in gnomAD. At this time, the clinical significance of this variant is uncertain due to the absence of conclusive functional and genetic evidence.

Mayo Clinic Laboratories, Mayo Clinic
Classification: Uncertain significance. Last evaluated: 2024-07-22. Review status: criteria provided, single submitter. Criteria: ACMG Guidelines, 2015. Collection method: clinical testing. Allele origin: germline. Observed: 1 variant allele.
Comment: BP4

Fulgent Genetics
Classification: Uncertain significance for Familial cold autoinflammatory syndrome 1; Keratitis fugax hereditaria; Familial amyloid nephropathy with urticaria AND deafness; Chronic infantile neurological, cutaneous and articular syndrome; Hearing loss, autosomal dominant 34, with or without inflammation. Last evaluated: 2022-02-02. Review status: criteria provided, single submitter. Criteria: ACMG Guidelines, 2015. Collection method: clinical testing. Allele origin: unknown.

GeneDx
Classification: Uncertain significance. Last evaluated: 2019-08-28. Review status: criteria provided, single submitter. Criteria: GeneDx Variant Classification Process June 2021. Collection method: clinical testing. Allele origin: germline. Affected: yes.
Comment: Not observed at a significant frequency in large population cohorts (Lek et al., 2016); In silico analysis, which includes protein predictors and evolutionary conservation, supports that this variant does not alter protein structure/function; Has not been previously published as pathogenic or benign to our knowledge

Genome Diagnostics Laboratory, The Hospital for Sick Children
Classification: Uncertain significance for Autoinflammatory syndrome. Last evaluated: 2016-12-12. Review status: criteria provided, single submitter. Criteria: ACMG Guidelines, 2015. Collection method: clinical testing. Allele origin: germline. Affected: yes.

NM_001243133.2(NLRP3):c.329G>A (p.Ser110Asn)

Gene: NLRP3 (NLR family pyrin domain containing 3; plus strand). Cytogenetic location: 1q44.
Variant type: single nucleotide variant.
Coding change: c.329G>A on transcript NM_001243133.2 (MANE Select); coding-DNA position 329, G replaced by A.
Protein change: p.Ser110Asn; replaces serine 110 with asparagine.
Molecular consequence: missense variant.
Genome position (GRCh38, 1-based): chr1:247,423,281, G>A. VCF-style: chr1-247423281-G-A. GRCh37 (hg19) VCF-style: chr1-247586583-G-A.
Other names: p.Ser112Asn; c.329G>A, p.Ser110Asn (NM_001079821.3, NM_001127461.3, NM_001127462.3 and 1 more transcripts); c.335G>A, p.Ser112Asn (NM_004895.5); short protein forms S110N, S112N.
Identifiers: ClinVar variation 1308186 (VCV001308186.12), dbSNP rs202050558, ClinGen allele CA1494825.